The following is an entry in ClinVar:

ClinVar aggregate classification (germline): Uncertain significance (1 of 4 stars; one submission).

Submission:

Labcorp Genetics (formerly Invitae), Labcorp
Classification: Uncertain significance. Last evaluated: 2024-12-16. Review status: criteria provided, single submitter. Criteria: Invitae Variant Classification Sherloc (09022015). Collection method: clinical testing. Allele origin: germline.
Comment: This sequence change replaces methionine, which is neutral and non-polar, with valine, which is neutral and non-polar, at codon 375 of the NDUFS2 protein (p.Met375Val). This variant is not present in population databases (gnomAD no frequency). This variant has not been reported in the literature in individuals affected with NDUFS2-related conditions. ClinVar contains an entry for this variant (Variation ID: 1349864). An algorithm developed to predict the effect of missense changes on protein structure and function (PolyPhen-2) suggests that this variant is likely to be disruptive. In summary, the available evidence is currently insufficient to determine the role of this variant in disease. Therefore, it has been classified as a Variant of Uncertain Significance.

NM_001377299.1(NDUFS2):c.1123A>G (p.Met375Val)

Gene: NDUFS2 (NADH:ubiquinone oxidoreductase core subunit S2; plus strand). Cytogenetic location: 1q23.3.
Variant type: single nucleotide variant.
Coding change: c.1123A>G on transcript NM_001377299.1 (MANE Select); coding-DNA position 1123, A replaced by G.
Protein change: p.Met375Val; replaces methionine 375 with valine.
Molecular consequence: missense variant. On other transcripts: non-coding transcript variant (1).
Genome position (GRCh38, 1-based): chr1:161,213,386, A>G. VCF-style: chr1-161213386-A-G. GRCh37 (hg19) VCF-style: chr1-161183176-A-G.
Other names: c.1123A>G, p.Met375Val (NM_001166159.2, NM_001377298.1, NM_001377300.1 and 3 more transcripts); short protein forms M375V.
Identifiers: ClinVar variation 1349864 (VCV001349864.8), dbSNP rs2102056774, ClinGen allele CA343382262.